The following is an entry in ClinVar:

NM_000548.5(TSC2):c.2339T>C (p.Leu780Pro)

Gene: TSC2 (TSC complex subunit 2; plus strand). Cytogenetic location: 16p13.3.
Variant type: single nucleotide variant.
Coding change: c.2339T>C on transcript NM_000548.5 (MANE Select); coding-DNA position 2339, T replaced by C.
Protein change: p.Leu780Pro; replaces leucine 780 with proline.
Molecular consequence: missense variant.
Genome position (GRCh38, 1-based): chr16:2,072,967, T>C. VCF-style: chr16-2072967-T-C. GRCh37 (hg19) VCF-style: chr16-2122968-T-C.
Other names: c.2228T>C, p.Leu743Pro (NM_001318827.2); c.2192T>C, p.Leu731Pro (NM_001318829.2); c.1739T>C, p.Leu580Pro (NM_001318831.2); c.2372T>C, p.Leu791Pro (NM_001318832.2); c.2339T>C, p.Leu780Pro (NM_001363528.2, NM_001370404.1, NM_001370405.1 and 3 more transcripts); short protein forms L580P, L731P, L743P, L780P, L791P.
Identifiers: ClinVar variation 1700569 (VCV001700569.4), dbSNP rs2151328709, ClinGen allele CA394276682.

ClinVar aggregate classification (germline): Conflicting classifications of pathogenicity. Review status: criteria provided, conflicting classifications (1 of 4 stars). 2 submissions from 2 submitters: Likely pathogenic (1); Uncertain significance (1). Last evaluated 2023-07-18.

Conditions:
Tuberous sclerosis 2 (TSC2). Identifiers: Orphanet 805, MedGen C1860707, MONDO:0013199, OMIM 613254.

Submissions (2):

Labcorp Genetics (formerly Invitae), Labcorp
Classification: Uncertain significance for Tuberous sclerosis 2. Last evaluated: 2023-07-18. Review status: criteria provided, single submitter. Criteria: Invitae Variant Classification Sherloc (09022015). Collection method: clinical testing. Allele origin: germline.
Comment: In summary, the available evidence is currently insufficient to determine the role of this variant in disease. Therefore, it has been classified as a Variant of Uncertain Significance. This sequence change replaces leucine, which is neutral and non-polar, with proline, which is neutral and non-polar, at codon 780 of the TSC2 protein (p.Leu780Pro). This variant is not present in population databases (gnomAD no frequency). This variant has not been reported in the literature in individuals affected with TSC2-related conditions. ClinVar contains an entry for this variant (Variation ID: 1700569). Advanced modeling of protein sequence and biophysical properties (such as structural, functional, and spatial information, amino acid conservation, physicochemical variation, residue mobility, and thermodynamic stability) has been performed at Invitae for this missense variant, however the output from this modeling did not meet the statistical confidence thresholds required to predict the impact of this variant on TSC2 protein function.

Division of Genomic Medicine, Department of Advanced Medicine, Medical Research Institute, Kanazawa Medical University
Classification: Likely pathogenic for Tuberous sclerosis 2. Last evaluated: 2022-07-19. Review status: criteria provided, single submitter. Criteria: ACMG Guidelines, 2015. Collection method: clinical testing. Allele origin: germline. Affected: yes. Observed: 1 variant allele.
Comment: According to ACMG GL 2015, this variant located in Hamartin binding domain (PM1), absent from controls (PM2), assumed de novo (PM6), multiple lines of computational evidence support a deleterious effect (PP3), and detected in the patient with clinically definitive tuberous sclerosis complex (PP4).